The following is an entry in ClinVar:

NM_004463.3(FGD1):c.710del (p.Gly237fs)

Gene: FGD1 (FYVE, RhoGEF and PH domain containing 1; minus strand). Cytogenetic location: Xp11.22.
Variant type: Deletion.
Coding change: c.710del on transcript NM_004463.3 (MANE Select); coding-DNA position 710, one base deleted (G; older notation c.710delG).
Protein change: p.Gly237fs; shifts the reading frame from glycine 237.
Molecular consequence: frameshift variant.
Genome position (GRCh38, 1-based): chrX:54,470,407, C deleted on the plus strand (G on the coding strand, the reverse complement: FGD1 is on the minus strand); the first of 2 consecutive C bases (chrX:54,470,407-54,470,408); deleting either gives the same sequence. VCF-style (leftmost placement, unchanged base first): chrX-54470406-AC-A. GRCh37 (hg19) VCF-style: chrX-54496839-AC-A.
Other names: short protein forms G237fs.
Identifiers: ClinVar variation 1757212 (VCV001757212.2), dbSNP rs2522715270, ClinGen allele CA2580101243.
Genomic context (GRCh38, chrX:54,470,406, plus strand): 5'-GGGGAGCTGGGGCACTGGTGGCTGCGAGGTTGGCTGTGGCAACATGACTGGCTCTGGGGG[AC>A]CTGGGCTGGGGCCAGGGACTGGTCTATCCGAGGCGACAATCACAGGCTCTCTGAGGTGGG-3'

ClinVar aggregate classification (germline): Pathogenic (1 of 4 stars; one submission).

Conditions:
Inborn genetic diseases. Identifiers: MedGen C0950123, MeSH D030342.

Submission:

Ambry Genetics
Classification: Pathogenic for Inborn genetic diseases. Last evaluated: 2017-11-10. Review status: criteria provided, single submitter. Criteria: Ambry Variant Classification Scheme 2023. Collection method: clinical testing. Allele origin: germline.
Comment: The c.710delG pathogenic mutation, located in coding exon 4 of the FGD1 gene, results from a deletion of one nucleotide at nucleotide position 710, causing a translational frameshift with a predicted alternate stop codon (p.G237Vfs*123). This alteration is expected to result in loss of function by premature protein truncation or nonsense-mediated mRNA decay. As such, this alteration is interpreted as a disease-causing mutation.